The following is an entry in ClinVar:

NM_000186.4(CFH):c.647T>C (p.Ile216Thr)

Gene: CFH (complement factor H; plus strand). Cytogenetic location: 1q31.3.
Variant type: single nucleotide variant.
Coding change: c.647T>C on transcript NM_000186.4 (MANE Select); coding-DNA position 647, T replaced by C.
Protein change: p.Ile216Thr; replaces isoleucine 216 with threonine.
Molecular consequence: missense variant.
Genome position (GRCh38, 1-based): chr1:196,679,650, T>C. VCF-style: chr1-196679650-T-C. GRCh37 (hg19) VCF-style: chr1-196648780-T-C.
Other names: c.647T>C, p.Ile216Thr (NM_001014975.3); c.647T>C (NM_000186.3); short protein forms I216T.
Identifiers: ClinVar variation 1011109 (VCV001011109.27), dbSNP rs183474263, ClinGen allele CA1305124.
Genomic context (GRCh38, chr1:196,679,650, plus strand): 5'-TAAACATTTTGGAATTTAATCCCTTTTATTTAGAAATTTCATGCAAATCCCCAGATGTTA[T>C]AAATGGATCTCCTATATCTCAGAAGATTATTTATAAGGAGAATGAACGATTTCAATATAA-3'
Protein context (NP_000177.2, residues 206-226): VEISCKSPDV[Ile216Thr]NGSPISQKII

ClinVar aggregate classification (germline): Conflicting classifications of pathogenicity. Review status: criteria provided, conflicting classifications (1 of 4 stars). 15 submissions from 12 submitters: Uncertain significance (12); Likely benign (1). 2 of the submissions do not count toward it. Last evaluated 2026-04-29.

Conditions:
CFH-related disorder. Also called: CFH-related disorders; CFH-related condition.
Inborn genetic diseases. Identifiers: MedGen C0950123, MeSH D030342.
Hemolytic uremic syndrome, atypical, susceptibility to, 1. Also called: AHUS, SUSCEPTIBILITY TO, 1. Identifiers: Orphanet 2134, Orphanet 90038, MedGen C2749604, MONDO:0009335, OMIM 235400. Disease mechanism: Other.
Factor H deficiency (CFHD). Also called: CFH DEFICIENCY; COMPLEMENT FACTOR H DEFICIENCY. Identifiers: Orphanet 200421, MedGen C0398777, MONDO:0012350, OMIM 609814.
Basal laminar drusen. Also called: DRUSEN OF BRUCH MEMBRANE; DRUSEN, CUTICULAR; DRUSEN, EARLY ADULT-ONSET, GROUPED. Identifiers: Orphanet 75376, MedGen C0730295, MONDO:0007472, OMIM 126700.
Age related macular degeneration 4. Identifiers: MedGen C1853147, MONDO:0012540, OMIM 610698.
Atypical hemolytic-uremic syndrome. Identifiers: Orphanet 2134, MedGen C2931788, MONDO:0016244.

Allele frequency attached by ClinVar (database versions not stated): gnomAD 0.00003 and 0.00005; TOPMed 0.00006; 1000 Genomes Project 0.00060; 1000 Genomes Project 30x 0.00062.
gnomAD v4.1: 62 of 1,606,798 alleles (0.0039%); highest among the groups gnomAD compares: East Asian, 0.058%; no homozygotes.

Submissions (15):

Women's Health and Genetics/Laboratory Corporation of America, LabCorp
Classification: Uncertain significance. Last evaluated: 2026-04-29. Review status: criteria provided, single submitter. Criteria: LabCorp Variant Classification Summary - May 2015. Collection method: clinical testing. Allele origin: germline.
Comment: Variant summary: CFH c.647T>C (p.Ile216Thr) results in a non-conservative amino acid change in the encoded protein sequence. Algorithms developed to predict the effect of missense changes on protein structure and function are either unavailable or do not agree on the potential impact of this missense change. The variant allele was found at a frequency of 0.00014 in 249136 control chromosomes (gnomAD). This frequency is not significantly higher than estimated for disease-causing variants in CFH, allowing no conclusion about variant significance. c.647T>C has been observed in individuals affected with CFH-Related Disorders (e.g. Gnappi_2012, Manenti_2013, Duvvari_2015). These reports do not provide unequivocal conclusions about association of the variant with CFH-Related Disorders. At least one publication reports experimental evidence evaluating an impact on protein function. These results showed no damaging effect of this variant (Martin Merinero_2021). The following publications have been ascertained in the context of this evaluation (PMID: 22669321, 23787552, 25814826, 34189567). ClinVar contains an entry for this variant (Variation ID: 1011109). Based on the evidence outlined above, the variant was classified as uncertain significance.

Labcorp Genetics (formerly Invitae), Labcorp
Classification: Uncertain significance. Last evaluated: 2026-01-06. Review status: criteria provided, single submitter. Criteria: Invitae Variant Classification Sherloc (09022015). Collection method: clinical testing. Allele origin: germline.
Comment: This sequence change replaces isoleucine, which is neutral and non-polar, with threonine, which is neutral and polar, at codon 216 of the CFH protein (p.Ile216Thr). This variant is present in population databases (rs183474263, gnomAD 0.1%). This missense change has been observed in individual(s) with clinical features of CFH-related conditions (PMID: 22669321, 23787552, 25814826). ClinVar contains an entry for this variant (Variation ID: 1011109). An algorithm developed to predict the effect of missense changes on protein structure and function outputs the following: PolyPhen-2: "Benign". The threonine amino acid residue is found in multiple mammalian species, which suggests that this missense change does not adversely affect protein function. Experimental studies have shown that this missense change does not substantially affect CFH function (PMID: 34189567). In summary, the available evidence is currently insufficient to determine the role of this variant in disease. Therefore, it has been classified as a Variant of Uncertain Significance.

Genomenon, Inc
Classification: Likely benign for Atypical hemolytic-uremic syndrome; Age related macular degeneration 4. Last evaluated: 2025-10-02. Review status: criteria provided, single submitter. Criteria: Genomenon Sequence Variant Interpretation Standards - Updated. Collection method: curation. Allele origin: germline. Affected: yes.
Comment: CFH p.Ile216Thr (c.647T>C) is a missense variant that changes the amino acid at residue 216 from Isoleucine to Threonine. This variant has been observed in at least one proband affected with a CFH-related disorder (PMID:25814826;22669321;23787552). Functional studies have been reported (PMID:34189567). This variant’s allele frequency in gnomAD is greater than expected for this disorder. In conclusion, we classify CFH p.Ile216Thr (c.647T>C) as a likely benign variant.

PreventionGenetics, part of Exact Sciences
Classification: Uncertain significance for CFH-related condition. Last evaluated: 2025-10-01. Review status: criteria provided, single submitter. Criteria: ACMG Guidelines, 2015. Collection method: clinical testing. Allele origin: germline.
Comment: The CFH c.647T>C variant is predicted to result in the amino acid substitution p.Ile216Thr. This variant has been reported in the heterozygous state in an individual with clinical features of CFH-related disease, however this individual was also homozygous for three CFH polymorphisms associated with atypical hemolytic uremic syndrome (Gnappi et al. 2012. PubMed ID: 22669321) and has been reported in the heterozygous state in a study of individuals with the cuticular drusen subtype of age-related macular degeneration (Duvvari et al. 2015. PubMed ID: 25814826). Functional studies have shown that this variant does not impact CFH function (Martín Merinero et al. 2021. PubMed ID: 34189567). This variant is reported in 0.15% of alleles in individuals of East Asian descent in gnomAD. Although we suspect that this variant may be benign, at this time, the clinical significance of this variant is uncertain due to the absence of conclusive functional and genetic evidence.

GeneDx
Classification: Uncertain significance. Last evaluated: 2025-04-09. Review status: criteria provided, single submitter. Criteria: GeneDx Variant Classification Process June 2021. Collection method: clinical testing. Allele origin: germline.
Comment: Reported in the heterozygous state in individuals with age-related macular degeneration, and also present in control individuals (PMID: 18421087, 25814826); In vitro functional studies suggest normal expression and normal indices compared to wild type (PMID: 34189567); In silico analysis indicates that this missense variant does not alter protein structure/function; This variant is associated with the following publications: (PMID: 25814826, 18421087, 34189567, 22669321)

Ambry Genetics
Classification: Uncertain significance for Inborn genetic diseases. Last evaluated: 2025-03-07. Review status: criteria provided, single submitter. Criteria: Ambry Variant Classification Scheme 2023. Collection method: clinical testing. Allele origin: germline.

Blueprint Genetics
Classification: Uncertain significance. Last evaluated: 2024-02-29. Review status: criteria provided, single submitter. Criteria: ACMG Guidelines, 2015. Collection method: clinical testing. Allele origin: germline.

Fulgent Genetics
Classification: Uncertain significance for Basal laminar drusen; Hemolytic uremic syndrome, atypical, susceptibility to, 1; Factor H deficiency; Age related macular degeneration 4. Last evaluated: 2024-02-24. Review status: criteria provided, single submitter. Criteria: ACMG Guidelines, 2015. Collection method: clinical testing. Allele origin: germline.

Genome-Nilou Lab
Classification: Uncertain significance for Hemolytic uremic syndrome, atypical, susceptibility to, 1. Last evaluated: 2023-04-11. Review status: criteria provided, single submitter. Criteria: ACMG Guidelines, 2015. Collection method: clinical testing. Allele origin: germline. Affected: no.

Genome-Nilou Lab
Classification: Uncertain significance for Age related macular degeneration 4. Last evaluated: 2023-04-11. Review status: criteria provided, single submitter. Criteria: ACMG Guidelines, 2015. Collection method: clinical testing. Allele origin: germline. Affected: no.

Genome-Nilou Lab
Classification: Uncertain significance for Basal laminar drusen. Last evaluated: 2023-04-11. Review status: criteria provided, single submitter. Criteria: ACMG Guidelines, 2015. Collection method: clinical testing. Allele origin: germline. Affected: no.

Genome-Nilou Lab
Classification: Uncertain significance for Factor H deficiency. Last evaluated: 2023-04-11. Review status: criteria provided, single submitter. Criteria: ACMG Guidelines, 2015. Collection method: clinical testing. Allele origin: germline. Affected: no.

Revvity Omics, Revvity
Classification: Uncertain significance. Last evaluated: 2019-10-24. Review status: criteria provided, single submitter. Criteria: ACMG Guidelines, 2015. Collection method: clinical testing. Allele origin: germline.

Clinical Genetics DNA and cytogenetics Diagnostics Lab, Erasmus MC, Erasmus Medical Center
Classification: Uncertain significance. Review status: no assertion criteria provided. Collection method: clinical testing. Allele origin: germline. Affected: yes. Study: VKGL Data-share Consensus. Not counted in ClinVar's aggregate classification.

Diagnostic Laboratory, Department of Genetics, University Medical Center Groningen
Classification: Uncertain significance. Review status: no assertion criteria provided. Collection method: clinical testing. Allele origin: germline. Affected: yes. Study: VKGL Data-share Consensus. Not counted in ClinVar's aggregate classification.

Literature cited by the submitters: PubMed 34189567 (cited by 4 submitters); PubMed 25814826 (cited by 4 submitters); PubMed 22669321 (cited by 4 submitters); PubMed 23787552 (cited by 3 submitters).